The following is an entry in ClinVar:

ClinVar aggregate classification (germline): Pathogenic (1 of 4 stars; one submission).

Conditions:
Leber congenital amaurosis 8 (LCA8). Identifiers: Orphanet 65, MedGen C3151202, MONDO:0013453, OMIM 613835.
Retinitis pigmentosa 12 (RP12). Also called: RP WITH OR WITHOUT PRESERVED PARAARTERIOLE RETINAL PIGMENT EPITHELIUM; RETINITIS PIGMENTOSA WITH OR WITHOUT PARAARTERIOLAR PRESERVATION OF RETINAL PIGMENT EPITHELIUM; RP WITH OR WITHOUT PPRPE. Identifiers: Orphanet 791, MedGen C1838647, MONDO:0010818, OMIM 600105.

Submission:

Labcorp Genetics (formerly Invitae), Labcorp
Classification: Pathogenic for Leber congenital amaurosis 8; Retinitis pigmentosa 12. Last evaluated: 2023-12-05. Review status: criteria provided, single submitter. Criteria: Invitae Variant Classification Sherloc (09022015). Collection method: clinical testing. Allele origin: unknown.
Comment: This variant results in the deletion of exon 10 and part of exon 9 (c.3393_3879-492del) of the CRB1 gene. It is expected to disrupt RNA splicing. Variants that disrupt the donor or acceptor splice site typically lead to a loss of protein function (PMID: 16199547), and loss-of-function variants in CRB1 are known to be pathogenic (PMID: 10508521, 22065545, 23379534, 25412400, 26957898, 28041643, 29391521). This variant has not been reported in the literature in individuals affected with CRB1-related conditions. ClinVar contains an entry for this variant (Variation ID: 940575). This variant disrupts a region of the CRB1 protein in which other variant(s) (p.Cys1163Phe) have been determined to be pathogenic (PMID: 24535598, 26047050, 28129017). This suggests that this is a clinically significant region of the protein, and that variants that disrupt it are likely to be disease-causing. For these reasons, this variant has been classified as Pathogenic.

Literature cited by the submitters: PubMed 16199547; PubMed 10508521; PubMed 22065545; PubMed 23379534; PubMed 25412400; PubMed 26957898; PubMed 28041643; PubMed 29391521; PubMed 24535598; PubMed 26047050; PubMed 28129017.

NC_000001.10:g.(?_197404386)_(197410804_?)del

Gene: CRB1 (crumbs cell polarity complex component 1; plus strand). Cytogenetic location: 1q31.3.
Variant type: Deletion.
Identifiers: ClinVar variation 3247806 (VCV003247806.1).